The following is an entry in ClinVar:

ClinVar aggregate classification (germline): Uncertain significance (1 of 4 stars; one submission).

gnomAD v4.1: 3 of 1,209,699 alleles (0.00025%); highest among the groups gnomAD compares: Middle Eastern, 0.023%; no homozygotes.

Submission:

Dasa
Classification: Uncertain significance. Last evaluated: 2024-09-24. Review status: criteria provided, single submitter. Criteria: DASA Assertion Criteria. Collection method: clinical testing. Allele origin: germline.
Comment: NM_004606.5(TAF1):c.349T>C (p.Ser117Pro) is a missense variant that results in the substitution of serine with proline. This variant is rare in population databases. Computational prediction algorithms are consistent with a benign effect. The currently available literature and clinical evidence are not sufficient to establish a definitive association between this variant and the reported condition. Therefore, this variant is classified as a variant of uncertain significance.

NM_004606.5(TAF1):c.349T>C (p.Ser117Pro)

Gene: TAF1 (TATA-box binding protein associated factor 1; plus strand). Cytogenetic location: Xq13.1.
Variant type: single nucleotide variant.
Coding change: c.349T>C on transcript NM_004606.5 (MANE Select); coding-DNA position 349, T replaced by C.
Protein change: p.Ser117Pro; replaces serine 117 with proline.
Molecular consequence: missense variant. On other transcripts: non-coding transcript variant (9).
Genome position (GRCh38, 1-based): chrX:71,368,167, T>C. VCF-style: chrX-71368167-T-C. GRCh37 (hg19) VCF-style: chrX-70588017-T-C.
Other names: c.349T>C, p.Ser117Pro (NM_001286074.2, NM_001440852.1, NM_001440853.1 and 2 more transcripts); short protein forms S117P.
Identifiers: ClinVar variation 4856882 (VCV004856882.2).